The following is an entry in ClinVar:

ClinVar aggregate classification (germline): Conflicting classifications of pathogenicity. Review status: criteria provided, conflicting classifications (1 of 4 stars). 4 submissions from 4 submitters: Uncertain significance (3); Likely benign (1). Last evaluated 2023-02-22.

Conditions:
TTN-related disorder. Also called: TTN-related condition; TTN-related disease; TTN-related disorders.
Autosomal recessive limb-girdle muscular dystrophy type 2J (LGMDR10). Also called: Limb-girdle muscular dystrophy, type 2J; MUSCULAR DYSTROPHY, LIMB-GIRDLE, AUTOSOMAL RECESSIVE 10. Identifiers: Orphanet 140922, MedGen C1837342, MONDO:0012127, OMIM 608807.
Dilated cardiomyopathy 1G (CMD1G). Identifiers: Orphanet 154, MedGen C1858763, MONDO:0011400, OMIM 604145.

Allele frequency attached by ClinVar (database versions not stated): gnomAD 0.00001 and 0.00002; gnomAD exomes 0.00001 and 0.00003; TOPMed 0.00002; ExAC 0.00003.
gnomAD v4.1: 23 of 1,613,476 alleles (0.0014%); highest among the groups gnomAD compares: Middle Eastern, 0.016%; no homozygotes.

Submissions (4):

PreventionGenetics, part of Exact Sciences
Classification: Uncertain significance for TTN-related condition. Last evaluated: 2023-02-22. Review status: criteria provided, single submitter. Criteria: ACMG Guidelines, 2015. Collection method: clinical testing. Allele origin: germline.
Comment: The TTN c.85420C>T variant is predicted to result in the amino acid substitution p.Arg28474Cys. To our knowledge, this variant has not been reported in the literature. This variant is reported in 0.0057% of alleles in individuals of Latino descent in gnomAD. At this time, the clinical significance of this variant is uncertain due to the absence of conclusive functional and genetic evidence.

CeGaT Center for Human Genetics Tuebingen
Classification: Uncertain significance. Last evaluated: 2022-10-01. Review status: criteria provided, single submitter. Criteria: CeGaT Center For Human Genetics Tuebingen Variant Classification Criteria Version 2. Collection method: clinical testing. Allele origin: germline. Affected: yes. Observed: 1 variant allele.
Comment: TTN: PM2, BP4

Blueprint Genetics
Classification: Likely benign. Last evaluated: 2022-02-16. Review status: criteria provided, single submitter. Criteria: ACMG Guidelines, 2015. Collection method: clinical testing. Allele origin: germline.

Labcorp Genetics (formerly Invitae), Labcorp
Classification: Uncertain significance for Dilated cardiomyopathy 1G; Autosomal recessive limb-girdle muscular dystrophy type 2J. Last evaluated: 2016-12-08. Review status: criteria provided, single submitter. Criteria: Invitae Variant Classification Sherloc (09022015). Collection method: clinical testing. Allele origin: germline.

NM_001267550.2(TTN):c.85420C>T (p.Arg28474Cys)

Genes: TTN (titin; minus strand), TTN-AS1 (TTN antisense RNA 1; plus strand). Cytogenetic location: 2q31.2.
Variant type: single nucleotide variant.
Coding change: c.85420C>T on transcript NM_001267550.2 (MANE Select); coding-DNA position 85420, C replaced by T.
Protein change: p.Arg28474Cys; replaces arginine 28474 with cysteine.
Molecular consequence: missense variant.
Genome position (GRCh38, 1-based): chr2:178,560,712, G>A on the plus strand (C>T on the coding strand, the complement: TTN is on the minus strand). VCF-style: chr2-178560712-G-A. GRCh37 (hg19) VCF-style: chr2-179425439-G-A.
Other names: c.80497C>T, p.Arg26833Cys (NM_001256850.1); c.58225C>T, p.Arg19409Cys (NM_003319.4); c.77716C>T, p.Arg25906Cys (NM_133378.4); c.58600C>T, p.Arg19534Cys (NM_133432.3); c.58801C>T, p.Arg19601Cys (NM_133437.4); short protein forms R28474C, R19409C, R26833C, R19601C, R25906C, R19534C.
Identifiers: ClinVar variation 404932 (VCV000404932.28), dbSNP rs757771061, ClinGen allele CA1988648.